The following is an entry in ClinVar:

NM_004360.5(CDH1):c.2139T>C (p.Ile713=)

Gene: CDH1 (cadherin 1; plus strand). Cytogenetic location: 16q22.1.
Variant type: single nucleotide variant.
Coding change: c.2139T>C on transcript NM_004360.5 (MANE Select); coding-DNA position 2139, T replaced by C.
Protein change: p.Ile713=; no amino-acid change (isoleucine 713 retained).
Molecular consequence: synonymous variant.
Genome position (GRCh38, 1-based): chr16:68,823,601, T>C. VCF-style: chr16-68823601-T-C. GRCh37 (hg19) VCF-style: chr16-68857504-T-C.
Other names: c.1956T>C, p.Ile652= (NM_001317184.2); c.591T>C, p.Ile197= (NM_001317185.2); c.174T>C, p.Ile58= (NM_001317186.2).
Identifiers: ClinVar variation 3378481 (VCV003378481.1).

ClinVar aggregate classification (germline): Benign (1 of 4 stars; one submission).

Conditions:
Hereditary diffuse gastric adenocarcinoma (HDGC). Also called: DIFFUSE GASTRIC AND LOBULAR BREAST CANCER SYNDROME. Identifiers: Orphanet 26106, MedGen C1708349, MONDO:0007648, OMIM 137215.

gnomAD v4.1: 1 of 1,613,028 alleles (0.000062%); highest among the groups gnomAD compares: Non-Finnish European, 0.000085%; no homozygotes.

Submission:

Myriad Genetics, Inc.
Classification: Benign for Hereditary diffuse gastric adenocarcinoma. Last evaluated: 2024-09-20. Review status: criteria provided, single submitter. Criteria: Myriad Autosomal Dominant, Autosomal Recessive and X-Linked Classification Criteria (2023). Collection method: clinical testing. Allele origin: unknown.
Comment: This variant is considered benign. This variant is a silent/synonymous amino acid change and it is not expected to impact splicing.